The following is an entry in ClinVar:

ClinVar aggregate classification (germline): Conflicting classifications of pathogenicity. Review status: criteria provided, conflicting classifications (1 of 4 stars). 4 submissions from 4 submitters: Uncertain significance (3); Likely benign (1). Last evaluated 2024-12-06.

Conditions:
Inborn genetic diseases. Identifiers: MedGen C0950123, MeSH D030342.
Frontotemporal dementia and/or amyotrophic lateral sclerosis. Identifiers: MedGen CN239493, MONDO:0030923.
GRN-related frontotemporal lobar degeneration with Tdp43 inclusions (FTD2). Also called: DEMENTIA, HEREDITARY DYSPHASIC DISINHIBITION; FRONTOTEMPORAL LOBAR DEGENERATION WITH UBIQUITIN-POSITIVE INCLUSIONS; FTLD-TDP, GRN-RELATED; GRN Frontotemporal Dementia; FRONTOTEMPORAL DEMENTIA WITH TDP43 INCLUSIONS, GRN-RELATED. Identifiers: Orphanet 100070, Orphanet 282, MedGen C1843792, MONDO:0011842, OMIM 607485. Disease mechanism: loss of function.
Neuronal ceroid lipofuscinosis 11. Also called: GRN-Related Neuronal Ceroid-Lipofuscinosis. Identifiers: Orphanet 314629, Orphanet 79262, MedGen C3539123, MONDO:0013866, OMIM 614706.

Allele frequency attached by ClinVar (database versions not stated): gnomAD 0.00001; gnomAD exomes 0.00001; ExAC 0.00002; TOPMed 0.00002.
gnomAD v4.1: 21 of 1,611,374 alleles (0.0013%); highest among the groups gnomAD compares: South Asian, 0.0022%; no homozygotes.

Submissions (4):

Molecular Genetics, Royal Melbourne Hospital
Classification: Uncertain significance for Frontotemporal dementia and/or amyotrophic lateral sclerosis. Last evaluated: 2024-12-06. Review status: criteria provided, single submitter. Criteria: ACMG Guidelines, 2015. Collection method: clinical testing. Allele origin: germline. Inheritance: Autosomal dominant inheritance.
Comment: Based on the classification scheme RMH Modified ACMG/AMP Guidelines v1.7.1, this variant is classified as VOUS. Following criteria are met: BP4, PM2_Supporting.

Labcorp Genetics (formerly Invitae), Labcorp
Classification: Uncertain significance for Neuronal ceroid lipofuscinosis 11; GRN-related frontotemporal lobar degeneration with Tdp43 inclusions. Last evaluated: 2023-07-09. Review status: criteria provided, single submitter. Criteria: Invitae Variant Classification Sherloc (09022015). Collection method: clinical testing. Allele origin: germline.
Comment: This variant is present in population databases (rs745842292, gnomAD 0.01%). In summary, the available evidence is currently insufficient to determine the role of this variant in disease. Therefore, it has been classified as a Variant of Uncertain Significance. Advanced modeling of protein sequence and biophysical properties (such as structural, functional, and spatial information, amino acid conservation, physicochemical variation, residue mobility, and thermodynamic stability) has been performed at Invitae for this missense variant, however the output from this modeling did not meet the statistical confidence thresholds required to predict the impact of this variant on GRN protein function. ClinVar contains an entry for this variant (Variation ID: 2040155). This variant has not been reported in the literature in individuals affected with GRN-related conditions. This sequence change replaces arginine, which is basic and polar, with cysteine, which is neutral and slightly polar, at codon 574 of the GRN protein (p.Arg574Cys).

Blueprint Genetics
Classification: Likely benign. Last evaluated: 2022-12-16. Review status: criteria provided, single submitter. Criteria: ACMG Guidelines, 2015. Collection method: clinical testing. Allele origin: germline.

Ambry Genetics
Classification: Uncertain significance for Inborn genetic diseases. Last evaluated: 2022-11-07. Review status: criteria provided, single submitter. Criteria: Ambry Variant Classification Scheme 2023. Collection method: clinical testing. Allele origin: germline.

NM_002087.4(GRN):c.1720C>T (p.Arg574Cys)

Gene: GRN (granulin precursor; plus strand). Cytogenetic location: 17q21.31.
Variant type: single nucleotide variant.
Coding change: c.1720C>T on transcript NM_002087.4 (MANE Select); coding-DNA position 1720, C replaced by T.
Protein change: p.Arg574Cys; replaces arginine 574 with cysteine.
Molecular consequence: missense variant.
Genome position (GRCh38, 1-based): chr17:44,352,736, C>T. VCF-style: chr17-44352736-C-T. GRCh37 (hg19) VCF-style: chr17-42430104-C-T.
Other names: short protein forms R574C.
Identifiers: ClinVar variation 2040155 (VCV002040155.7), dbSNP rs745842292, ClinGen allele CA8602285.